The following is an entry in ClinVar:

ClinVar aggregate classification (germline): Uncertain significance (1 of 4 stars; one submission).

Submission:

Labcorp Genetics (formerly Invitae), Labcorp
Classification: Uncertain significance. Last evaluated: 2025-06-19. Review status: criteria provided, single submitter. Criteria: Invitae Variant Classification Sherloc (09022015). Collection method: clinical testing. Allele origin: germline.
Comment: This sequence change replaces glutamine, which is neutral and polar, with proline, which is neutral and non-polar, at codon 617 of the ARID1B protein (p.Gln617Pro). This variant is not present in population databases (gnomAD no frequency). This variant has not been reported in the literature in individuals affected with ARID1B-related conditions. Invitae Evidence Modeling of protein sequence and biophysical properties (such as structural, functional, and spatial information, amino acid conservation, physicochemical variation, residue mobility, and thermodynamic stability) indicates that this missense variant is not expected to disrupt ARID1B protein function with a negative predictive value of 95%. In summary, the available evidence is currently insufficient to determine the role of this variant in disease. Therefore, it has been classified as a Variant of Uncertain Significance.

NM_001374828.1(ARID1B):c.2060A>C (p.Gln687Pro)

Gene: ARID1B (AT-rich interaction domain 1B; plus strand). Cytogenetic location: 6q25.3.
Variant type: single nucleotide variant.
Coding change: c.2060A>C on transcript NM_001374828.1 (MANE Select); coding-DNA position 2060, A replaced by C.
Protein change: p.Gln687Pro; replaces glutamine 687 with proline.
Molecular consequence: missense variant.
Genome position (GRCh38, 1-based): chr6:156,901,449, A>C. VCF-style: chr6-156901449-A-C. GRCh37 (hg19) VCF-style: chr6-157222583-A-C.
Other names: c.2099A>C, p.Gln700Pro (NM_001371656.1, NM_001374820.1); c.2060A>C, p.Gln687Pro (NM_001438482.1, NM_001438483.1, NM_001438485.1 and 7 more transcripts); short protein forms Q687P, Q700P.
Identifiers: ClinVar variation 4801395 (VCV004801395.1).